The following is an entry in ClinVar:

ClinVar aggregate classification (germline): Likely benign. Review status: criteria provided, multiple submitters, no conflicts (2 of 4 stars). 3 submissions from 3 submitters: Likely benign (3). Last evaluated 2024-02-24.

Conditions:
Dyskeratosis congenita. Identifiers: Orphanet 1775, MedGen C0265965, MONDO:0015780.
Dyskeratosis congenita, autosomal dominant 2. Identifiers: MedGen C3151443, MONDO:0013521, OMIM 613989.
Idiopathic Pulmonary Fibrosis. Also called: Idiopathic fibrosing alveolitis, chronic form; idiopathic fibrosing alveolitis. Identifiers: Orphanet 2032, MedGen C1800706, MeSH D054990, MONDO:0800504.

Allele frequency attached by ClinVar (database versions not stated): TOPMed below 0.00001; gnomAD exomes 0.00001.
gnomAD v4.1: 7 of 1,587,266 alleles (0.00044%); highest among the groups gnomAD compares: Non-Finnish European, 0.0006%; no homozygotes.

Submissions (3):

Labcorp Genetics (formerly Invitae), Labcorp
Classification: Likely benign for Dyskeratosis congenita, autosomal dominant 2; Idiopathic Pulmonary Fibrosis. Last evaluated: 2024-02-24. Review status: criteria provided, single submitter. Criteria: Invitae Variant Classification Sherloc (09022015). Collection method: clinical testing. Allele origin: germline.

CeGaT Center for Human Genetics Tuebingen
Classification: Likely benign. Last evaluated: 2023-03-01. Review status: criteria provided, single submitter. Criteria: CeGaT Center For Human Genetics Tuebingen Variant Classification Criteria Version 2. Collection method: clinical testing. Allele origin: germline. Affected: yes. Observed: 1 variant allele.
Comment: TERT: BP4, BP7

Ambry Genetics
Classification: Likely benign for Dyskeratosis congenita. Last evaluated: 2022-02-12. Review status: criteria provided, single submitter. Criteria: Ambry Variant Classification Scheme 2023. Collection method: clinical testing. Allele origin: germline.

NM_198253.3(TERT):c.315C>T (p.Asp105=)

Gene: TERT (telomerase reverse transcriptase; minus strand). Cytogenetic location: 5p15.33.
Variant type: single nucleotide variant.
Coding change: c.315C>T on transcript NM_198253.3 (MANE Select); coding-DNA position 315, C replaced by T.
Protein change: p.Asp105=; no amino-acid change (aspartic acid 105 retained).
Molecular consequence: synonymous variant. On other transcripts: non-coding transcript variant (2).
Genome position (GRCh38, 1-based): chr5:1,294,571, G>A on the plus strand (C>T on the coding strand, the complement: TERT is on the minus strand). VCF-style: chr5-1294571-G-A. GRCh37 (hg19) VCF-style: chr5-1294686-G-A.
Other names: c.315C>T, p.Asp105= (NM_001193376.3).
Identifiers: ClinVar variation 1093023 (VCV001093023.34), dbSNP rs970934345, ClinGen allele CA112915392.
Genomic context (GRCh38, chr5:1,294,571, plus strand): 5'-GTTGGGCAGGTAGCTGCGCACGCTGGTGGTGAAGGCCTCGGGGGGGCCCCCGCGGGCCCC[G>A]TCCAGCAGCGCGAAGCCGAAGGCCAGCACGTTCTTCGCGCCGCGCTCGCACAGCCTCTGC-3'
Protein context (NP_937983.2, residues 95-115): NVLAFGFALL[Asp105=]GARGGPPEAF